The following is an entry in ClinVar:

NM_080680.3(COL11A2):c.1166C>A (p.Ala389Glu)

Gene: COL11A2 (collagen type XI alpha 2 chain; minus strand). Cytogenetic location: 6p21.32.
Variant type: single nucleotide variant.
Coding change: c.1166C>A on transcript NM_080680.3 (MANE Select); coding-DNA position 1166, C replaced by A.
Protein change: p.Ala389Glu; replaces alanine 389 with glutamic acid.
Molecular consequence: missense variant.
Genome position (GRCh38, 1-based): chr6:33,181,124, G>T on the plus strand (C>A on the coding strand, the complement: COL11A2 is on the minus strand). VCF-style: chr6-33181124-G-T. GRCh37 (hg19) VCF-style: chr6-33148901-G-T.
Other names: c.986C>A, p.Ala329Glu (NM_001424108.1); c.320C>A, p.Ala107Glu (NM_001424109.1); c.140C>A, p.Ala47Glu (NM_001424110.1, NM_001424111.1); c.845C>A, p.Ala282Glu (NM_080679.3); c.908C>A, p.Ala303Glu (NM_080681.3); short protein forms A107E, A282E, A303E, A329E, A389E, A47E.
Identifiers: ClinVar variation 4801329 (VCV004801329.1).

ClinVar aggregate classification (germline): Uncertain significance (1 of 4 stars; one submission).

Submission:

Labcorp Genetics (formerly Invitae), Labcorp
Classification: Uncertain significance. Last evaluated: 2025-10-09. Review status: criteria provided, single submitter. Criteria: Invitae Variant Classification Sherloc (09022015). Collection method: clinical testing. Allele origin: germline.
Comment: This sequence change replaces alanine, which is neutral and non-polar, with glutamic acid, which is acidic and polar, at codon 389 of the COL11A2 protein (p.Ala389Glu). This variant is not present in population databases (gnomAD no frequency). This variant has not been reported in the literature in individuals affected with COL11A2-related conditions. Invitae Evidence Modeling of protein sequence and biophysical properties (such as structural, functional, and spatial information, amino acid conservation, physicochemical variation, residue mobility, and thermodynamic stability) indicates that this missense variant is not expected to disrupt COL11A2 protein function with a negative predictive value of 95%. In summary, the available evidence is currently insufficient to determine the role of this variant in disease. Therefore, it has been classified as a Variant of Uncertain Significance.